The following is an entry in ClinVar:

NM_004310.5(RHOH):c.391G>A (p.Val131Ile)

Gene: RHOH (ras homolog family member H; plus strand). Cytogenetic location: 4p14.
Variant type: single nucleotide variant.
Coding change: c.391G>A on transcript NM_004310.5 (MANE Select); coding-DNA position 391, G replaced by A.
Protein change: p.Val131Ile; replaces valine 131 with isoleucine.
Molecular consequence: missense variant.
Genome position (GRCh38, 1-based): chr4:40,243,777, G>A. VCF-style: chr4-40243777-G-A. GRCh37 (hg19) VCF-style: chr4-40245397-G-A.
Other names: c.391G>A, p.Val131Ile (NM_001278365.2, NM_001278366.2, NM_001278367.2 and 8 more transcripts); short protein forms V131I.
Identifiers: ClinVar variation 639396 (VCV000639396.6), dbSNP rs372713940, ClinGen allele CA2897766.

ClinVar aggregate classification (germline): Uncertain significance (1 of 4 stars; one submission).

Conditions:
T-cell immunodeficiency with epidermodysplasia verruciformis. Identifiers: Orphanet 324294, MedGen C4749500, MONDO:0017925.

Allele frequency attached by ClinVar (database versions not stated): ExAC 0.00002; gnomAD exomes 0.00002; TOPMed 0.00004; gnomAD 0.00005; ESP Exome Variant Server 0.00008.
gnomAD v4.1: 55 of 1,613,906 alleles (0.0034%); highest among the groups gnomAD compares: African/African-American, 0.011%; no homozygotes.

Submission:

Labcorp Genetics (formerly Invitae), Labcorp
Classification: Uncertain significance for T-cell immunodeficiency with epidermodysplasia verruciformis. Last evaluated: 2023-10-15. Review status: criteria provided, single submitter. Criteria: Invitae Variant Classification Sherloc (09022015). Collection method: clinical testing. Allele origin: germline.
Comment: This sequence change replaces valine, which is neutral and non-polar, with isoleucine, which is neutral and non-polar, at codon 131 of the RHOH protein (p.Val131Ile). This variant is present in population databases (rs372713940, gnomAD 0.008%). This variant has not been reported in the literature in individuals affected with RHOH-related conditions. ClinVar contains an entry for this variant (Variation ID: 639396). Algorithms developed to predict the effect of missense changes on protein structure and function output the following: SIFT: "Not Available"; PolyPhen-2: "Benign"; Align-GVGD: "Not Available". The isoleucine amino acid residue is found in multiple mammalian species, which suggests that this missense change does not adversely affect protein function. In summary, the available evidence is currently insufficient to determine the role of this variant in disease. Therefore, it has been classified as a Variant of Uncertain Significance.